The following is an entry in ClinVar:

NM_001384317.1(ZHX3):c.2450A>G (p.Tyr817Cys)

Gene: ZHX3 (zinc fingers and homeoboxes 3; minus strand). Cytogenetic location: 20q12.
Variant type: single nucleotide variant.
Coding change: c.2450A>G on transcript NM_001384317.1 (MANE Select); coding-DNA position 2450, A replaced by G.
Protein change: p.Tyr817Cys; replaces tyrosine 817 with cysteine.
Molecular consequence: missense variant.
Genome position (GRCh38, 1-based): chr20:41,202,467, T>C on the plus strand (A>G on the coding strand, the complement: ZHX3 is on the minus strand). VCF-style: chr20-41202467-T-C. GRCh37 (hg19) VCF-style: chr20-39831107-T-C.
Other names: c.2450A>G, p.Tyr817Cys (NM_001384315.1, NM_001384316.1, NM_001384318.1 and 8 more transcripts); short protein forms Y817C.
Identifiers: ClinVar variation 4977131 (VCV004977131.1).

ClinVar aggregate classification (germline): Uncertain significance (1 of 4 stars; one submission).

Conditions:
ZHX3-related disorder. Also called: ZHX3-related condition.

gnomAD v4.1: 4 of 1,614,078 alleles (0.00025%); highest among the groups gnomAD compares: Admixed American, 0.005%; no homozygotes.

Submission:

PreventionGenetics, part of Exact Sciences
Classification: Uncertain significance for ZHX3-related condition. Last evaluated: 2024-10-16. Review status: criteria provided, single submitter. Criteria: ACMG Guidelines, 2015. Collection method: clinical testing. Allele origin: germline.
Comment: The ZHX3 c.2450A>G variant is predicted to result in the amino acid substitution p.Tyr817Cys. To our knowledge, this variant has not been reported in the literature. This variant is reported in 0.011% of alleles in individuals of African descent in gnomAD. At this time, the clinical significance of this variant is uncertain due to the absence of conclusive functional and genetic evidence.